The following is an entry in ClinVar:

NC_000017.10:g.(?_18049166)_(18061234_?)del

Gene: MYO15A (myosin XVA; plus strand). Cytogenetic location: 17p11.2.
Variant type: Deletion.
Identifiers: ClinVar variation 3243192 (VCV003243192.1).

ClinVar aggregate classification (germline): Pathogenic (1 of 4 stars; one submission).

Submission:

Labcorp Genetics (formerly Invitae), Labcorp
Classification: Pathogenic. Last evaluated: 2023-08-02. Review status: criteria provided, single submitter. Criteria: Invitae Variant Classification Sherloc (09022015). Collection method: clinical testing. Allele origin: unknown.
Comment: This variant has not been reported in the literature in individuals affected with MYO15A-related conditions. For these reasons, this variant has been classified as Pathogenic. This variant disrupts a region of the MYO15A protein in which other variant(s) (p.Arg2124Gln) have been determined to be pathogenic (PMID: 19274735). This suggests that this is a clinically significant region of the protein, and that variants that disrupt it are likely to be disease-causing. This variant is a gross deletion of the genomic region encompassing exon(s) 30-51 of the MYO15A gene. This variant would be expected to be in-frame, preserving the integrity of the reading frame.

Literature cited by the submitters: PubMed 19274735.